The following is an entry in ClinVar:

ClinVar aggregate classification (germline): Conflicting classifications of pathogenicity. Review status: criteria provided, conflicting classifications (1 of 4 stars). 3 submissions from 3 submitters: Likely pathogenic (1); Uncertain significance (2). Last evaluated 2026-08-06.

Conditions:
Tuberous sclerosis syndrome (TSC). Also called: Tuberous Sclerosis Complex; Tuberous sclerosis. Identifiers: Orphanet 805, MedGen C0041341, MONDO:0001734.
Hereditary cancer-predisposing syndrome. Also called: Neoplastic Syndromes, Hereditary; Hereditary neoplastic syndrome; Tumor predisposition; Hereditary Cancer Syndrome. Identifiers: Orphanet 140162, MedGen C0027672, MeSH D009386, MONDO:0015356.
Tuberous sclerosis 1 (TSC1). Identifiers: Orphanet 805, MedGen C1854465, MONDO:0008612, OMIM 191100.

Submissions (3):

OLLIN Analises Genomicas, OLLIN
Classification: Uncertain significance for Tuberous sclerosis 1. Last evaluated: 2026-08-06. Review status: criteria provided, single submitter. Criteria: ACMG Guidelines 2015 PMID 25741868. Collection method: clinical testing. Allele origin: germline.
Comment: This variant is absent from gnomAD and has not been identified in the literature. However, it has been reported in ClinVar (accession VCV002447885.3). According to the currently available evidence, this variant has been classified as uncertain significance (PM2_P, PP3).

Cambridge Genomics Laboratory, East Genomic Laboratory Hub, NHS Genomic Medicine Service
Classification: Uncertain significance for Tuberous sclerosis. Last evaluated: 2026-05-06. Review status: criteria provided, single submitter. Criteria: ACGS Best Practice Guidelines for Variant Classification in Rare Disease 2020. Collection method: clinical testing. Allele origin: germline. Affected: yes.
Comment: PM2,PP3

Ambry Genetics
Classification: Likely pathogenic for Hereditary cancer-predisposing syndrome. Last evaluated: 2023-01-31. Review status: criteria provided, single submitter. Criteria: Ambry Variant Classification Scheme 2023. Collection method: clinical testing. Allele origin: germline.
Comment: The c.1263+37C>T intronic variant results from a C to T substitution 37 nucleotides after coding exon 10 in the TSC1 gene. This nucleotide position is not well conserved in available vertebrate species. This alteration has been observed in at least one individual with a personal and/or family history that is consistent with TSC1-related disease (Ambry internal data). This variant is considered to be rare based on population cohorts in the Genome Aggregation Database (gnomAD). In silico splice site analysis predicts that this alteration will weaken the native splice donor site and will result in the creation or strengthening of a novel splice donor site. RNA studies have demonstrated that this alteration results in abnormal splicing in the set of samples tested (Ambry internal data). Based on the majority of available evidence to date, this variant is likely to be pathogenic.

NM_000368.5(TSC1):c.1263+37C>T

Gene: TSC1 (TSC complex subunit 1; minus strand). Cytogenetic location: 9q34.13.
Variant type: single nucleotide variant.
Coding change: c.1263+37C>T on transcript NM_000368.5 (MANE Select); 37 bases into the intron after coding-DNA position 1263, C replaced by T.
Molecular consequence: intron variant.
Genome position (GRCh38, 1-based): chr9:132,910,534, G>A on the plus strand (C>T on the coding strand, the complement: TSC1 is on the minus strand). VCF-style: chr9-132910534-G-A. GRCh37 (hg19) VCF-style: chr9-135785921-G-A.
Other names: c.897+37C>T (NM_001406620.1, NM_001406625.1, NM_001406621.1 and 2 more transcripts); c.900+37C>T (NM_001406618.1, NM_001406617.1, NM_001406619.1 and 5 more transcripts); c.1107+37C>T (NM_001406613.1, NM_001406612.1, NM_001406611.1); c.1110+37C>T (NM_001406610.1, NM_001162427.2); c.309+37C>T (NM_001406627.1, NM_001406628.1); c.210+37C>T (NM_001406629.1, NM_001406630.1); c.1260+37C>T (NM_001406603.1, NM_001406609.1, NM_001406597.1 and 6 more transcripts); c.1263+37C>T (NM_001406602.1, NM_001406606.1, NM_001406592.1 and 7 more transcripts); and 1 more.
Identifiers: ClinVar variation 2447885 (VCV002447885.4), dbSNP rs2538827659, ClinGen allele CA2580079980.